The following is an entry in ClinVar:

NM_001160372.4(TRAPPC9):c.1352-5C>T

Gene: TRAPPC9 (trafficking protein particle complex subunit 9; minus strand). Cytogenetic location: 8q24.3.
Variant type: single nucleotide variant.
Coding change: c.1352-5C>T on transcript NM_001160372.4 (MANE Select); 5 bases into the intron before coding-DNA position 1352, C replaced by T.
Molecular consequence: intron variant.
Genome position (GRCh38, 1-based): chr8:140,360,198, G>A on the plus strand (C>T on the coding strand, the complement: TRAPPC9 is on the minus strand). VCF-style: chr8-140360198-G-A. GRCh37 (hg19) VCF-style: chr8-141370297-G-A.
Other names: c.1352-5C>T (NM_031466.8, NM_001374683.1); c.1325-5C>T (NM_001321646.2); c.1351+10766C>T (NM_001374684.1); c.1373-5C>T (NM_001374682.1).
Identifiers: ClinVar variation 1588440 (VCV001588440.11), dbSNP rs376013888, ClinGen allele CA4893473.

ClinVar aggregate classification (germline): Conflicting classifications of pathogenicity. Review status: criteria provided, conflicting classifications (1 of 4 stars). 2 submissions from 2 submitters: Uncertain significance (1); Likely benign (1). Last evaluated 2024-10-28.

Conditions:
Inborn genetic diseases. Identifiers: MedGen C0950123, MeSH D030342.

Allele frequency attached by ClinVar (database versions not stated): gnomAD exomes 0.00002 and 0.00005; TOPMed 0.00002; gnomAD 0.00004; ExAC 0.00006; ESP Exome Variant Server 0.00023.
gnomAD v4.1: 29 of 1,614,018 alleles (0.0018%); highest among the groups gnomAD compares: Admixed American, 0.0033%; no homozygotes.

Submissions (2):

Labcorp Genetics (formerly Invitae), Labcorp
Classification: Likely benign. Last evaluated: 2024-10-28. Review status: criteria provided, single submitter. Criteria: Invitae Variant Classification Sherloc (09022015). Collection method: clinical testing. Allele origin: germline.

Ambry Genetics
Classification: Uncertain significance for Inborn genetic diseases. Last evaluated: 2019-08-28. Review status: criteria provided, single submitter. Criteria: Ambry Variant Classification Scheme 2023. Collection method: clinical testing. Allele origin: germline.
Comment: The c.1646-5C>T intronic variant results from a C to T substitution 5 nucleotides upstream from coding exon 9 in the TRAPPC9 gene. This nucleotide position is poorly conserved in available vertebrate species. Using the BDGP and ESEfinder splice site prediction tools, this alteration is not predicted to have any significant effect on this splice acceptor site; however, direct evidence is unavailable. Since supporting evidence is limited at this time, the clinical significance of this alteration remains unclear.